The following is an entry in ClinVar:

NM_000548.5(TSC2):c.2014C>T (p.Pro672Ser)

Gene: TSC2 (TSC complex subunit 2; plus strand). Cytogenetic location: 16p13.3.
Variant type: single nucleotide variant.
Coding change: c.2014C>T on transcript NM_000548.5 (MANE Select); coding-DNA position 2014, C replaced by T.
Protein change: p.Pro672Ser; replaces proline 672 with serine.
Molecular consequence: missense variant.
Genome position (GRCh38, 1-based): chr16:2,071,851, C>T. VCF-style: chr16-2071851-C-T. GRCh37 (hg19) VCF-style: chr16-2121852-C-T.
Other names: c.2014C>T, p.Pro672Ser (NM_001077183.3, NM_001114382.3, NM_001363528.2 and 3 more transcripts); c.1903C>T, p.Pro635Ser (NM_001318827.2); c.1867C>T, p.Pro623Ser (NM_001318829.2); c.1414C>T, p.Pro472Ser (NM_001318831.2); c.2047C>T, p.Pro683Ser (NM_001318832.2); short protein forms P635S, P472S, P623S, P672S, P683S.
Identifiers: ClinVar variation 820528 (VCV000820528.20), dbSNP rs1262368552, ClinGen allele CA394274480.
Genomic context (GRCh38, chr16:2,071,851, plus strand): 5'-GAGAGAGGCTCTGAGAAGAAGACCAGCGGCCCCCTTTCTCCTCCCACAGGGCCTCCTGGC[C>T]CGGCGCCTGCAGGCCCCGCCGTGCGGCTGGGGTCCGTGCCCTACTCCCTGCTCTTCCGCG-3'
Protein context (NP_000539.2, residues 662-682): PLSPPTGPPG[Pro672Ser]APAGPAVRLG

ClinVar aggregate classification (germline): Conflicting classifications of pathogenicity. Review status: criteria provided, conflicting classifications (1 of 4 stars). 6 submissions from 6 submitters: Uncertain significance (5); Benign (1). Last evaluated 2025-12-18.

Conditions:
Lymphangiomyomatosis (LAM). Also called: Lymphangioleiomyomatosis, somatic; Lymphangioleiomyomatosis. Identifiers: Orphanet 538, MedGen C0751674, MONDO:0011705, OMIM 606690.
Isolated focal cortical dysplasia type II (FCORD2). Also called: Focal cortical dysplasia type II; CORTICAL DYSPLASIA OF TAYLOR. Identifiers: Orphanet 268994, MedGen C1846385, MONDO:0011818, OMIM 607341, HP:0032051.
Tuberous sclerosis 2 (TSC2). Identifiers: Orphanet 805, MedGen C1860707, MONDO:0013199, OMIM 613254.
Hereditary cancer-predisposing syndrome. Also called: Hereditary Cancer Syndrome; Neoplastic Syndromes, Hereditary; Hereditary neoplastic syndrome; Tumor predisposition. Identifiers: Orphanet 140162, MedGen C0027672, MeSH D009386, MONDO:0015356.

Allele frequency attached by ClinVar (database versions not stated): gnomAD exomes below 0.00001 and 0.00001.
gnomAD v4.1: 1 of 1,574,210 alleles (0.000064%); highest among the groups gnomAD compares: Non-Finnish European, 0.000086%; no homozygotes.

Submissions (6):

Labcorp Genetics (formerly Invitae), Labcorp
Classification: Benign for Tuberous sclerosis 2. Last evaluated: 2025-12-18. Review status: criteria provided, single submitter. Criteria: Invitae Variant Classification Sherloc (09022015). Collection method: clinical testing. Allele origin: germline.

Fulgent Genetics
Classification: Uncertain significance for Lymphangiomyomatosis; Isolated focal cortical dysplasia type II; Tuberous sclerosis 2. Last evaluated: 2024-02-17. Review status: criteria provided, single submitter. Criteria: ACMG Guidelines, 2015. Collection method: clinical testing. Allele origin: germline.

Ambry Genetics
Classification: Uncertain significance for Hereditary cancer-predisposing syndrome. Last evaluated: 2024-02-05. Review status: criteria provided, single submitter. Criteria: Ambry Variant Classification Scheme 2023. Collection method: clinical testing. Allele origin: germline.
Comment: The p.P672S variant (also known as c.2014C>T), located in coding exon 18 of the TSC2 gene, results from a C to T substitution at nucleotide position 2014. The proline at codon 672 is replaced by serine, an amino acid with similar properties. This amino acid position is not well conserved in available vertebrate species. In addition, the in silico prediction for this alteration is inconclusive. Based on the available evidence, the clinical significance of this alteration remains unclear.

Women's Health and Genetics/Laboratory Corporation of America, LabCorp
Classification: Uncertain significance. Last evaluated: 2024-02-04. Review status: criteria provided, single submitter. Criteria: LabCorp Variant Classification Summary - May 2015. Collection method: clinical testing. Allele origin: germline.

GeneDx
Classification: Uncertain significance. Last evaluated: 2022-08-03. Review status: criteria provided, single submitter. Criteria: GeneDx Variant Classification Process June 2021. Collection method: clinical testing. Allele origin: germline. Affected: yes.
Comment: In silico analysis supports that this missense variant has a deleterious effect on protein structure/function; Has not been previously published as pathogenic or benign to our knowledge

Genome-Nilou Lab
Classification: Uncertain significance for Tuberous sclerosis 2. Last evaluated: 2021-11-07. Review status: criteria provided, single submitter. Criteria: ACMG Guidelines, 2015. Collection method: clinical testing. Allele origin: germline. Affected: no.